The following is an entry in ClinVar:

NM_000293.3(PHKB):c.1693-2A>G

Gene: PHKB (phosphorylase kinase regulatory subunit beta; plus strand). Cytogenetic location: 16q12.1.
Variant type: single nucleotide variant.
Coding change: c.1693-2A>G on transcript NM_000293.3 (MANE Select); the canonical splice acceptor site of the intron before coding-DNA position 1693, A replaced by G.
Molecular consequence: splice acceptor variant.
Genome position (GRCh38, 1-based): chr16:47,649,098, A>G. VCF-style: chr16-47649098-A-G. GRCh37 (hg19) VCF-style: chr16-47683009-A-G.
Other names: c.1693-2A>G (NM_001363837.1); c.1672-2A>G (NM_001031835.3).
Identifiers: ClinVar variation 2781543 (VCV002781543.3), dbSNP rs2506567176, ClinGen allele CA395785707.
Genomic context (GRCh38, chr16:47,649,098, plus strand): 5'-CACTGCACCTTTGCCTTTGGTATGTTCTTTAGTTATTTGTTTTAAAACTTTTTCCCTTAC[A>G]GATTTATCGCATTCTAGGAAAGACTGTGGTTTGTTACCCGATTATTTTCGACCTAAGTGA-3'

ClinVar aggregate classification (germline): Likely pathogenic (1 of 4 stars; one submission).

Conditions:
Glycogen storage disease IXb (GSD9B). Also called: PHOSPHORYLASE KINASE DEFICIENCY OF LIVER AND MUSCLE, AUTOSOMAL RECESSIVE; GLYCOGENOSIS OF LIVER AND MUSCLE, AUTOSOMAL RECESSIVE; GSD IXb. Identifiers: Orphanet 79240, MedGen C0543514, MONDO:0009868, OMIM 261750.

Submission:

Labcorp Genetics (formerly Invitae), Labcorp
Classification: Likely pathogenic for Glycogen storage disease IXb. Last evaluated: 2023-09-22. Review status: criteria provided, single submitter. Criteria: Invitae Variant Classification Sherloc (09022015). Collection method: clinical testing. Allele origin: germline.
Comment: Algorithms developed to predict the effect of sequence changes on RNA splicing suggest that this variant may disrupt the consensus splice site. In summary, the currently available evidence indicates that the variant is pathogenic, but additional data are needed to prove that conclusively. Therefore, this variant has been classified as Likely Pathogenic. This variant has not been reported in the literature in individuals affected with PHKB-related conditions. This sequence change affects an acceptor splice site in intron 17 of the PHKB gene. It is expected to disrupt RNA splicing. Variants that disrupt the donor or acceptor splice site typically lead to a loss of protein function (PMID: 16199547), and loss-of-function variants in PHKB are known to be pathogenic (PMID: 9215682, 9326319). This variant is not present in population databases (gnomAD no frequency).

Literature cited by the submitters: PubMed 16199547; PubMed 9215682; PubMed 9326319.